The following is an entry in ClinVar:

NM_002473.6(MYH9):c.5292C>T (p.Thr1764=)

Gene: MYH9 (myosin heavy chain 9; minus strand). Cytogenetic location: 22q12.3.
Variant type: single nucleotide variant.
Coding change: c.5292C>T on transcript NM_002473.6 (MANE Select); coding-DNA position 5292, C replaced by T.
Protein change: p.Thr1764=; no amino-acid change (threonine 1764 retained).
Molecular consequence: synonymous variant.
Genome position (GRCh38, 1-based): chr22:36,285,312, G>A on the plus strand (C>T on the coding strand, the complement: MYH9 is on the minus strand). VCF-style: chr22-36285312-G-A. GRCh37 (hg19) VCF-style: chr22-36681358-G-A.
Identifiers: ClinVar variation 2653100 (VCV002653100.27), dbSNP rs371842998, ClinGen allele CA10209089.

ClinVar aggregate classification (germline): Likely benign. Review status: criteria provided, multiple submitters, no conflicts (2 of 4 stars). 2 submissions from 2 submitters: Likely benign (2). Last evaluated 2025-07-14.

Allele frequency attached by ClinVar (database versions not stated): gnomAD 0.00001; TOPMed 0.00003; ExAC 0.00006; ESP Exome Variant Server 0.00008.
gnomAD v4.1: 22 of 1,611,102 alleles (0.0014%); highest among the groups gnomAD compares: East Asian, 0.0022%; no homozygotes.

Submissions (2):

Labcorp Genetics (formerly Invitae), Labcorp
Classification: Likely benign. Last evaluated: 2025-07-14. Review status: criteria provided, single submitter. Criteria: Invitae Variant Classification Sherloc (09022015). Collection method: clinical testing. Allele origin: germline.

CeGaT Center for Human Genetics Tuebingen
Classification: Likely benign. Last evaluated: 2023-04-01. Review status: criteria provided, single submitter. Criteria: CeGaT Center For Human Genetics Tuebingen Variant Classification Criteria Version 2. Collection method: clinical testing. Allele origin: germline. Affected: yes. Observed: 1 variant allele.
Comment: MYH9: BP4, BP7